The following is an entry in ClinVar:

NM_000053.4(ATP7B):c.365_366delinsGGGCTTCGAA (p.Glu122fs)

Gene: ATP7B (ATPase copper transporting beta; minus strand). Cytogenetic location: 13q14.3.
Variant type: Indel.
Coding change: c.365_366delinsGGGCTTCGAA on transcript NM_000053.4 (MANE Select); coding-DNA positions 365 to 366, AG replaced by GGGCTTCGAA.
Protein change: p.Glu122fs; shifts the reading frame from glutamic acid 122.
Molecular consequence: frameshift variant.
Genome position (GRCh38, 1-based): chr13:51,974,854-51,974,855, CT replaced by TTCGAAGCCC on the plus strand (AG replaced by GGGCTTCGAA on the coding strand, the reverse complement: ATP7B is on the minus strand). VCF-style: chr13-51974854-CT-TTCGAAGCCC. GRCh37 (hg19) VCF-style: chr13-52548990-CT-TTCGAAGCCC.
Other names: c.365_366delinsGGGCTTCGAA, p.Glu122fs (NM_001005918.3, NM_001243182.2, NM_001330578.2 and 30 more transcripts); c.269_270delinsGGGCTTCGAA, p.Glu90fs (NM_001406517.1, NM_001406518.1, NM_001406530.1 and 4 more transcripts); c.365_366delAGinsGGGCTTCGAA (NM_000053.3); short protein forms E122fs, E90fs.
Identifiers: ClinVar variation 2679787 (VCV002679787.7), dbSNP rs2547823465, ClinGen allele CA2695199753.

ClinVar aggregate classification (germline): Pathogenic/Likely pathogenic. Review status: criteria provided, multiple submitters, no conflicts (2 of 4 stars). 2 submissions from 2 submitters: Pathogenic (1); Likely pathogenic (1). Last evaluated 2025-07-08.

Conditions:
Wilson disease (WND). Also called: Wilson's disease. Identifiers: Orphanet 905, MedGen C0019202, MONDO:0010200, OMIM 277900. Disease mechanism: loss of function.

Submissions (2):

Natera, Inc.
Classification: Likely pathogenic for Wilson disease. Last evaluated: 2025-07-08. Review status: criteria provided, single submitter. Criteria: Natera Variant Classification Schema (03/2026). Collection method: clinical testing. Allele origin: germline.
Comment: The c.365_366delAGinsGGGCTTCGAA variant in ATP7B is a frameshift variant predicted to shift the reading frame beginning at codon 122 and leads to a stop codon 34 codons downstream. This variant is expected to result in nonsense mediated decay, truncation, or a dysfunctional protein product. This variant is rare in the general population with a frequency below the threshold expected for the associated phenotype(s). Functional studies show that this variant may disrupt protein function (PMID: 27122662). Given the available evidence, this variant is classified as Likely Pathogenic.

Labcorp Genetics (formerly Invitae), Labcorp
Classification: Pathogenic for Wilson disease. Last evaluated: 2020-12-22. Review status: criteria provided, single submitter. Criteria: Invitae Variant Classification Sherloc (09022015). Collection method: clinical testing. Allele origin: germline.
Comment: For these reasons, this variant has been classified as Pathogenic. This variant has not been reported in the literature in individuals with ATP7B-related conditions. The frequency data for this variant in the population databases is not available, as this variant may be reported as separate entries in the ExAC database. This sequence change creates a premature translational stop signal (p.Glu122Glyfs*34) in the ATP7B gene. It is expected to result in an absent or disrupted protein product. Loss-of-function variants in ATP7B are known to be pathogenic (PMID: 10441329, 16283883).

Literature cited by the submitters: PubMed 27122662 (cited by Natera, Inc.); PubMed 10441329 (cited by Labcorp Genetics (formerly Invitae), Labcorp); PubMed 16283883 (cited by Labcorp Genetics (formerly Invitae), Labcorp).